The following is an entry in ClinVar:

NM_002449.5(MSX2):c.592A>G (p.Lys198Glu)

Gene: MSX2 (msh homeobox 2; plus strand). Cytogenetic location: 5q35.2.
Variant type: single nucleotide variant.
Coding change: c.592A>G on transcript NM_002449.5 (MANE Select); coding-DNA position 592, A replaced by G.
Protein change: p.Lys198Glu; replaces lysine 198 with glutamic acid.
Molecular consequence: missense variant. On other transcripts: 3 prime UTR variant (1).
Genome position (GRCh38, 1-based): chr5:174,729,371, A>G. VCF-style: chr5-174729371-A-G. GRCh37 (hg19) VCF-style: chr5-174156374-A-G.
Other names: c.*216A>G (NM_001363626.2); short protein forms K198E.
Identifiers: ClinVar variation 1696974 (VCV001696974.2), dbSNP rs1760875833, ClinGen allele CA362230210.

ClinVar aggregate classification (germline): Uncertain significance (1 of 4 stars; one submission).

Submission:

GeneDx
Classification: Uncertain significance. Last evaluated: 2022-01-17. Review status: criteria provided, single submitter. Criteria: GeneDx Variant Classification Process June 2021. Collection method: clinical testing. Allele origin: germline. Affected: yes.
Comment: Not observed at significant frequency in large population cohorts (gnomAD); In silico analysis supports that this missense variant has a deleterious effect on protein structure/function; Has not been previously published as pathogenic or benign to our knowledge